The following is an entry in ClinVar:

NM_000218.3(KCNQ1):c.386+15671G>A

Gene: KCNQ1 (potassium voltage-gated channel subfamily Q member 1; plus strand). Cytogenetic location: 11p15.5.
Variant type: single nucleotide variant.
Coding change: c.386+15671G>A on transcript NM_000218.3 (MANE Select); 15671 bases into the intron after coding-DNA position 386, G replaced by A.
Molecular consequence: intron variant.
Genome position (GRCh38, 1-based): chr11:2,461,155, G>A. VCF-style: chr11-2461155-G-A. GRCh37 (hg19) VCF-style: chr11-2482385-G-A.
Identifiers: ClinVar variation 680962 (VCV000680962.1), dbSNP rs112600033, ClinGen allele CA216304710.

ClinVar aggregate classification (germline): Benign (1 of 4 stars; one submission).

Allele frequency attached by ClinVar (database versions not stated): gnomAD 0.01915; TOPMed 0.02113; 1000 Genomes Project 0.02137; 1000 Genomes Project 30x 0.02202.
gnomAD v4.1: 2,801 of 152,300 alleles (1.8%); highest among the groups gnomAD compares: African/African-American, 6.5%; 91 homozygotes.

Submission:

GeneDx
Classification: Benign. Last evaluated: 2018-06-14. Review status: criteria provided, single submitter. Criteria: GeneDx Variant Classification (06012015). Collection method: clinical testing. Allele origin: germline. Affected: yes.
Comment: This variant is considered likely benign or benign based on one or more of the following criteria: it is a conservative change, it occurs at a poorly conserved position in the protein, it is predicted to be benign by multiple in silico algorithms, and/or has population frequency not consistent with disease.